The following is an entry in ClinVar:

ClinVar aggregate classification (germline): Uncertain significance. Review status: criteria provided, multiple submitters, no conflicts (2 of 4 stars). 2 submissions from 2 submitters: Uncertain significance (2). Last evaluated 2026-03-29.

Conditions:
Hypertrophic cardiomyopathy. Also called: HYPERTROPHIC MYOCARDIOPATHY. Identifiers: Orphanet 217569, MedGen C0007194, MeSH D002312, MONDO:0005045, HP:0001639.
Cardiovascular phenotype. Identifiers: MedGen CN230736.

gnomAD v4.1: 2 of 1,614,190 alleles (0.00012%); highest among the groups gnomAD compares: Non-Finnish European, 0.00017%; no homozygotes.

Submissions (2):

Ambry Genetics
Classification: Uncertain significance for Cardiovascular phenotype. Last evaluated: 2026-03-29. Review status: criteria provided, single submitter. Criteria: Ambry Variant Classification Scheme 2023. Collection method: clinical testing. Allele origin: germline.
Comment: The p.P206R variant (also known as c.617C>G), located in coding exon 4 of the PRKAG2 gene, results from a C to G substitution at nucleotide position 617. The proline at codon 206 is replaced by arginine, an amino acid with dissimilar properties. This amino acid position is conserved. In addition, this alteration is predicted to be tolerated by in silico analysis. Based on the available evidence, the clinical significance of this variant remains unclear.

All of Us Research Program, National Institutes of Health
Classification: Uncertain significance for Hypertrophic cardiomyopathy. Last evaluated: 2024-08-06. Review status: criteria provided, single submitter. Criteria: ACMG Guidelines, 2015. Collection method: clinical testing. Allele origin: germline. Inheritance: Autosomal dominant inheritance. Observed: 2 variant alleles, 2 heterozygotes.
Comment: This missense variant replaces proline with arginine at codon 206 of the PRKAG2 protein. Computational prediction suggests that this variant may not impact protein structure and function (internally defined REVEL score threshold <= 0.5, PMID: 27666373). To our knowledge, functional studies have not been reported for this variant. This variant has not been reported in individuals affected with PRKAG2-related disorders in the literature. This variant has not been identified in the general population by the Genome Aggregation Database (gnomAD). The available evidence is insufficient to determine the role of this variant in disease conclusively. Therefore, this variant is classified as a Variant of Uncertain Significance.

This study involves interpretation of variants in research participants for the purpose of population health screening. Participant phenotype was not available at the time of variant classification. Additional details can be found in publication PMID: 35346344, PMCID: PMC8962531

NM_016203.4(PRKAG2):c.617C>G (p.Pro206Arg)

Gene: PRKAG2 (protein kinase AMP-activated non-catalytic subunit gamma 2; minus strand). Cytogenetic location: 7q36.1.
Variant type: single nucleotide variant.
Coding change: c.617C>G on transcript NM_016203.4 (MANE Select); coding-DNA position 617, C replaced by G.
Protein change: p.Pro206Arg; replaces proline 206 with arginine.
Molecular consequence: missense variant. On other transcripts: intron variant (5).
Genome position (GRCh38, 1-based): chr7:151,675,487, G>C on the plus strand (C>G on the coding strand, the complement: PRKAG2 is on the minus strand). VCF-style: chr7-151675487-G-C. GRCh37 (hg19) VCF-style: chr7-151372573-G-C.
Other names: c.94+60413C>G (NM_001407037.1); c.13-43349C>G (NM_001407038.1); c.467-80036C>G (NM_001407031.1); c.467-80033C>G (NM_001407030.1); c.361-43349C>G (NM_001407033.1); c.485C>G, p.Pro162Arg (NM_001040633.2, NM_001407024.1, NM_001407026.1 and 1 more transcripts); c.245C>G, p.Pro82Arg (NM_001304527.2, NM_001363698.2, NM_001407028.1 and 1 more transcripts); c.617C>G, p.Pro206Arg (NM_001407021.1, NM_001407022.1, NM_001407023.1); and 2 more; short protein forms P100R, P162R, P206R, P82R.
Identifiers: ClinVar variation 3070714 (VCV003070714.3), dbSNP rs182084936, ClinGen allele CA370187374.